The following is an entry in ClinVar:

ClinVar aggregate classification (germline): Uncertain significance (1 of 4 stars; one submission).

Conditions:
X-linked lymphoproliferative disease due to SH2D1A deficiency (XLP1). Also called: PURTILO SYNDROME; DUNCAN DISEASE; IMMUNODEFICIENCY 5; IMMUNODEFICIENCY, X-LINKED PROGRESSIVE COMBINED VARIABLE; INFECTIOUS MONONUCLEOSIS, SEVERE, SUSCEPTIBILITY TO; EBV infection severe susceptibility to. Identifiers: Orphanet 2442, Orphanet 538931, MedGen C5399825, MONDO:0024551, OMIM 308240.

Submission:

Labcorp Genetics (formerly Invitae), Labcorp
Classification: Uncertain significance for X-linked lymphoproliferative disease due to SH2D1A deficiency. Last evaluated: 2025-01-11. Review status: criteria provided, single submitter. Criteria: Invitae Variant Classification Sherloc (09022015). Collection method: clinical testing. Allele origin: germline.
Comment: This sequence change replaces leucine, which is neutral and non-polar, with proline, which is neutral and non-polar, at codon 31 of the SH2D1A protein (p.Leu31Pro). This variant is not present in population databases (gnomAD no frequency). This missense change has been observed in individual(s) with X-linked lymphoproliferative disease (PMID: 11049992). An algorithm developed to predict the effect of missense changes on protein structure and function (PolyPhen-2) suggests that this variant is likely to be disruptive. In summary, the available evidence is currently insufficient to determine the role of this variant in disease. Therefore, it has been classified as a Variant of Uncertain Significance.

Literature cited by the submitters: PubMed 11049992.

NM_002351.5(SH2D1A):c.92T>C (p.Leu31Pro)

Gene: SH2D1A (SH2 domain containing 1A; plus strand). Cytogenetic location: Xq25.
Variant type: single nucleotide variant.
Coding change: c.92T>C on transcript NM_002351.5 (MANE Select); coding-DNA position 92, T replaced by C.
Protein change: p.Leu31Pro; replaces leucine 31 with proline.
Molecular consequence: missense variant.
Genome position (GRCh38, 1-based): chrX:124,346,734, T>C. VCF-style: chrX-124346734-T-C. GRCh37 (hg19) VCF-style: chrX-123480584-T-C.
Other names: c.92T>C, p.Leu31Pro (NM_001114937.3); short protein forms L31P.
Identifiers: ClinVar variation 3724434 (VCV003724434.2).
Genomic context (GRCh38, chrX:124,346,734, plus strand): 5'-TCAGCAGGGAAACCGGCGAGAAGCTCCTGCTTGCCACTGGGCTGGATGGCAGCTATTTGC[T>C]GAGGGACAGCGAGAGCGTGCCAGGCGTGTACTGCCTATGTGTGCTGTGAGTATGATACGG-3'
Protein context (NP_002342.1, residues 21-41): LATGLDGSYL[Leu31Pro]RDSESVPGVY